The following is an entry in ClinVar:

NC_000010.11:g.(?_86668672)_(86710070_?)del

Genes: LDB3 (LIM domain binding 3; plus strand), LOC110121486 (VISTA enhancer hs2143; plus strand), LOC130004243 (ATAC-STARR-seq lymphoblastoid active region 3695; plus strand), LOC132089876 (Neanderthal introgressed variant-containing enhancer experimental_17910; plus strand). Cytogenetic location: 10q23.2.
Variant type: Deletion.
Identifiers: ClinVar variation 532937 (VCV000532937.1).

ClinVar aggregate classification (germline): Uncertain significance (1 of 4 stars; one submission).

Conditions:
Myofibrillar myopathy 4. Also called: Zaspopathy (type). Identifiers: Orphanet 98912, MedGen C4721886, MONDO:0012277, OMIM 609452.

Submission:

Labcorp Genetics (formerly Invitae), Labcorp
Classification: Uncertain significance for Myofibrillar myopathy 4. Last evaluated: 2017-12-14. Review status: criteria provided, single submitter. Criteria: Invitae Variant Classification Sherloc (09022015). Collection method: clinical testing. Allele origin: germline.
Comment: This variant is a gross deletion of the genomic region encompassing exons 1-8 of the LDB3 gene, which includes the initiator codon. The 5' end of this event is unknown as it extends beyond the assayed region for this gene and therefore may encompass additional genes. The 3' boundary is likely confined to intron 8 of the LDB3 gene. This is expected to result in an absent or disrupted protein product. The deletion of exons 1-8 has not been reported in the literature in individuals with LDB3-related disease. The current clinical and genetic evidence is not sufficient to establish whether loss-of-function variants in LDB3 cause disease. In summary, the available evidence is currently insufficient to determine the role of this variant in disease. Therefore, it has been classified as a Variant of Uncertain Significance.